The following is an entry in ClinVar:

NM_031422.6(CHST9):c.609A>G (p.Val203=)

Genes: AQP4-AS1 (AQP4 antisense RNA 1; plus strand), CHST9 (carbohydrate sulfotransferase 9; minus strand). Cytogenetic location: 18q11.2.
Variant type: single nucleotide variant.
Coding change: c.609A>G on transcript NM_031422.6 (MANE Select); coding-DNA position 609, A replaced by G.
Protein change: p.Val203=; no amino-acid change (valine 203 retained).
Molecular consequence: synonymous variant. On other transcripts: 3 prime UTR variant (1).
Genome position (GRCh38, 1-based): chr18:26,916,982, T>C on the plus strand (A>G on the coding strand, the complement: CHST9 is on the minus strand). VCF-style: chr18-26916982-T-C. GRCh37 (hg19) VCF-style: chr18-24496946-T-C.
Other names: c.*346A>G (NM_001256316.2); c.609A>G, p.Val203= (NM_001398493.1).
Identifiers: ClinVar variation 2648627 (VCV002648627.24), dbSNP rs138794390, ClinGen allele CA8922878.

ClinVar aggregate classification (germline): Likely benign (1 of 4 stars; one submission).

Allele frequency attached by ClinVar (database versions not stated): gnomAD exomes 0.00310; ExAC 0.00392; ESP Exome Variant Server 0.00184; TOPMed 0.00260; gnomAD 0.00280; 1000 Genomes Project 30x 0.00281; 1000 Genomes Project 0.00300.
gnomAD v4.1: 5,039 of 1,613,922 alleles (0.31%); highest among the groups gnomAD compares: South Asian, 1%; 39 homozygotes.

Submission:

CeGaT Center for Human Genetics Tuebingen
Classification: Likely benign. Last evaluated: 2022-04-01. Review status: criteria provided, single submitter. Criteria: CeGaT Center For Human Genetics Tuebingen Variant Classification Criteria Version 2. Collection method: clinical testing. Allele origin: germline. Affected: yes. Observed: 1 variant allele.
Comment: CHST9: BP4, BP7